The following is an entry in ClinVar:

ClinVar aggregate classification (germline): Likely pathogenic (1 of 4 stars; one submission).

Conditions:
Inborn genetic diseases. Identifiers: MedGen C0950123, MeSH D030342.

Submission:

Ambry Genetics
Classification: Likely pathogenic for Inborn genetic diseases. Last evaluated: 2026-08-07. Review status: criteria provided, single submitter. Criteria: Ambry Variant Classification Scheme 2023. Collection method: clinical testing. Allele origin: germline.
Comment: The c.562C>T (p.R188C) alteration is located in exon 8 (coding exon 7) of the CNOT3 gene. This alteration results from a C to T substitution at nucleotide position 562, causing the arginine (R) at amino acid position 188 to be replaced by a cysteine (C). This variant was not reported in population-based cohorts in the Genome Aggregation Database (gnomAD). This variant was reported in individuals with features consistent with CNOT3-related neurodevelopmental disorder; in at least one individual, it was determined to be de novo (Martin, 2019). This amino acid position is highly conserved in available vertebrate species. This missense variant is located in a region that has a low rate of benign missense variation (Lek, 2016; Firth, 2009). This alteration is predicted to be deleterious by in silico analysis. Based on the available evidence, this alteration is classified as likely pathogenic.

Literature cited by the submitters: PubMed 31201375.

NM_014516.4(CNOT3):c.562C>T (p.Arg188Cys)

Gene: CNOT3 (CCR4-NOT transcription complex subunit 3; plus strand). Cytogenetic location: 19q13.42.
Variant type: single nucleotide variant.
Coding change: c.562C>T on transcript NM_014516.4 (MANE Select); coding-DNA position 562, C replaced by T.
Protein change: p.Arg188Cys; replaces arginine 188 with cysteine.
Molecular consequence: missense variant. On other transcripts: non-coding transcript variant (2).
Genome position (GRCh38, 1-based): chr19:54,145,676, C>T. VCF-style: chr19-54145676-C-T. GRCh37 (hg19) VCF-style: chr19-54649412-C-T.
Other names: c.565C>T, p.Arg189Cys (NM_001440657.1, NM_001440661.1, NM_001440662.1 and 3 more transcripts); c.562C>T, p.Arg188Cys (NM_001440658.1, NM_001440664.1, NM_001440654.1 and 1 more transcripts); c.19C>T, p.Arg7Cys (NM_001440659.1, NM_001440660.1); short protein forms R7C, R188C, R189C.
Identifiers: ClinVar variation 5034656 (VCV005034656.1).